The following is an entry in ClinVar:

NM_000038.6(APC):c.3308G>C (p.Arg1103Thr)

Gene: APC (APC regulator of Wnt signaling pathway; plus strand). Cytogenetic location: 5q22.2.
Variant type: single nucleotide variant.
Coding change: c.3308G>C on transcript NM_000038.6 (MANE Select); coding-DNA position 3308, G replaced by C.
Protein change: p.Arg1103Thr; replaces arginine 1103 with threonine.
Molecular consequence: missense variant.
Genome position (GRCh38, 1-based): chr5:112,838,902, G>C. VCF-style: chr5-112838902-G-C. GRCh37 (hg19) VCF-style: chr5-112174599-G-C.
Other names: c.3308G>C, p.Arg1103Thr (NM_001127510.3, NM_001354895.2); c.3254G>C, p.Arg1085Thr (NM_001127511.3); c.3362G>C, p.Arg1121Thr (NM_001354896.2); c.3338G>C, p.Arg1113Thr (NM_001354897.2); c.3233G>C, p.Arg1078Thr (NM_001354898.2); c.3224G>C, p.Arg1075Thr (NM_001354899.2); c.3185G>C, p.Arg1062Thr (NM_001354900.2); c.3131G>C, p.Arg1044Thr (NM_001354901.2); and 5 more; short protein forms R1085T, R1103T, R1062T, R1012T, R1075T, R1113T, R1121T, R943T.
Identifiers: ClinVar variation 629268 (VCV000629268.6), dbSNP rs200371555, ClinGen allele CA16028593.

ClinVar aggregate classification (germline): Uncertain significance. Review status: criteria provided, multiple submitters, no conflicts (2 of 4 stars). 2 submissions from 2 submitters: Uncertain significance (2). Last evaluated 2024-07-30.

Conditions:
Hereditary cancer-predisposing syndrome. Also called: Neoplastic Syndromes, Hereditary; Tumor predisposition; Hereditary neoplastic syndrome; Hereditary Cancer Syndrome. Identifiers: Orphanet 140162, MedGen C0027672, MeSH D009386, MONDO:0015356.

Submissions (2):

Ambry Genetics
Classification: Uncertain significance for Hereditary cancer-predisposing syndrome. Last evaluated: 2024-07-30. Review status: criteria provided, single submitter. Criteria: Ambry Variant Classification Scheme 2023. Collection method: clinical testing. Allele origin: germline.
Comment: The p.R1103T variant (also known as c.3308G>C), located in coding exon 15 of the APC gene, results from a G to C substitution at nucleotide position 3308. The arginine at codon 1103 is replaced by threonine, an amino acid with similar properties. This amino acid position is conserved. In addition, in silico predictors for this gene do not accurately predict pathogenicity. Based on the available evidence, the clinical significance of this variant remains unclear.

Color Diagnostics, LLC DBA Color Health
Classification: Uncertain significance for Hereditary cancer-predisposing syndrome. Last evaluated: 2023-12-04. Review status: criteria provided, single submitter. Criteria: ACMG Guidelines, 2015. Collection method: clinical testing. Allele origin: germline.
Comment: This missense variant replaces arginine with threonine at codon 1103 of the APC protein. Computational prediction is inconclusive regarding the impact of this variant on protein structure and function (internally defined REVEL score threshold 0.5 < inconclusive < 0.7, PMID: 27666373). To our knowledge, functional studies have not been reported for this variant. This variant has not been reported in individuals affected with APC-related disorders in the literature. This variant has not been identified in the general population by the Genome Aggregation Database (gnomAD). The available evidence is insufficient to determine the role of this variant in disease conclusively. Therefore, this variant is classified as a Variant of Uncertain Significance.